The following is an entry in ClinVar:

ClinVar aggregate classification (germline): Likely benign. Review status: criteria provided, multiple submitters, no conflicts (2 of 4 stars). 2 submissions from 2 submitters: Likely benign (2). Last evaluated 2025-03-03.

Conditions:
PLXNA2-related disorder. Also called: PLXNA2-related condition.

Allele frequency attached by ClinVar (database versions not stated): ExAC 0.00001.
gnomAD v4.1: 5 of 1,613,848 alleles (0.00031%); highest among the groups gnomAD compares: Non-Finnish European, 0.000085%; no homozygotes.

Submissions (2):

PreventionGenetics, part of Exact Sciences
Classification: Likely benign for PLXNA2-related condition. Last evaluated: 2025-03-03. Review status: criteria provided, single submitter. Criteria: ACMG Guidelines, 2015. Collection method: clinical testing. Allele origin: germline.
Comment: This variant is classified as likely benign based on ACMG/AMP sequence variant interpretation guidelines (Richards et al. 2015 PMID: 25741868, with internal and published modifications).

Labcorp Genetics (formerly Invitae), Labcorp
Classification: Likely benign. Last evaluated: 2023-01-31. Review status: criteria provided, single submitter. Criteria: Invitae Variant Classification Sherloc (09022015). Collection method: clinical testing. Allele origin: germline.

NM_025179.4(PLXNA2):c.2679T>C (p.His893=)

Gene: PLXNA2 (plexin A2; minus strand). Cytogenetic location: 1q32.2.
Variant type: single nucleotide variant.
Coding change: c.2679T>C on transcript NM_025179.4 (MANE Select); coding-DNA position 2679, T replaced by C.
Protein change: p.His893=; no amino-acid change (histidine 893 retained).
Molecular consequence: synonymous variant.
Genome position (GRCh38, 1-based): chr1:208,060,745, A>G on the plus strand (T>C on the coding strand, the complement: PLXNA2 is on the minus strand). VCF-style: chr1-208060745-A-G. GRCh37 (hg19) VCF-style: chr1-208234090-A-G.
Other names: c.2679T>C (NM_025179.3).
Identifiers: ClinVar variation 2904908 (VCV002904908.4), dbSNP rs759006269, ClinGen allele CA1373440.